The following is an entry in ClinVar:

NM_001873.4(CPE):c.1394A>G (p.Glu465Gly)

Gene: CPE (carboxypeptidase E; plus strand). Cytogenetic location: 4q32.3.
Variant type: single nucleotide variant.
Coding change: c.1394A>G on transcript NM_001873.4 (MANE Select); coding-DNA position 1394, A replaced by G.
Protein change: p.Glu465Gly; replaces glutamic acid 465 with glycine.
Molecular consequence: missense variant.
Genome position (GRCh38, 1-based): chr4:165,497,573, A>G. VCF-style: chr4-165497573-A-G. GRCh37 (hg19) VCF-style: chr4-166418725-A-G.
Other names: short protein forms E465G.
Identifiers: ClinVar variation 3041395 (VCV003041395.3), dbSNP rs140816537, ClinGen allele CA3130441.

ClinVar aggregate classification (germline): Likely benign. Review status: criteria provided, single submitter (1 of 4 stars). 2 submissions from 2 submitters: Likely benign (1). 1 of the submissions does not count toward it. Last evaluated 2024-11-26.

Conditions:
CPE-related disorder. Also called: CPE-related condition.

Allele frequency attached by ClinVar (database versions not stated): gnomAD 0.00028; TOPMed 0.00028; ESP Exome Variant Server 0.00031; gnomAD exomes 0.00040; 1000 Genomes Project 30x 0.00047; 1000 Genomes Project 0.00060; ExAC 0.00072.
gnomAD v4.1: 630 of 1,574,956 alleles (0.04%); highest among the groups gnomAD compares: South Asian, 0.18%; 2 homozygotes.

Submissions (2):

Blueprint Genetics
Classification: Likely benign. Last evaluated: 2024-11-26. Review status: criteria provided, single submitter. Criteria: ACMG Guidelines, 2015. Collection method: clinical testing. Allele origin: germline.

PreventionGenetics, part of Exact Sciences
Classification: Likely benign for CPE-related condition. Last evaluated: 2022-04-14. Review status: no assertion criteria provided. Collection method: clinical testing. Allele origin: germline. Not counted in ClinVar's aggregate classification.
Comment: This variant is classified as likely benign based on ACMG/AMP sequence variant interpretation guidelines (Richards et al. 2015 PMID: 25741868, with internal and published modifications).